The following is an entry in ClinVar:

ClinVar aggregate classification (germline): Conflicting classifications of pathogenicity. Review status: criteria provided, conflicting classifications (1 of 4 stars). 17 submissions from 17 submitters: Uncertain significance (4); Benign (1); Likely benign (7). 5 of the submissions do not count toward it. Last evaluated 2026-06-01.

Conditions:
VPS13B-related disorder. Also called: VPS13B-related condition.
Inborn genetic diseases. Identifiers: MedGen C0950123, MeSH D030342.
Cohen syndrome (COH1). Also called: PEPPER SYNDROME; Cutis verticis gyrata, retinitis pigmentosa, and sensorineural deafness. Identifiers: Orphanet 193, MedGen C0265223, MONDO:0008999, OMIM 216550.

Allele frequency attached by ClinVar (database versions not stated): ExAC 0.00123; gnomAD exomes 0.00205 and 0.00129; gnomAD 0.00116 and 0.00121; ESP Exome Variant Server 0.00177; 1000 Genomes Project 30x 0.00031; TOPMed 0.00117.
gnomAD v4.1: 3,121 of 1,613,910 alleles (0.19%); highest among the groups gnomAD compares: South Asian, 0.33%; 7 homozygotes.

Submissions (17):

CeGaT Center for Human Genetics Tuebingen
Classification: Likely benign. Last evaluated: 2026-06-01. Review status: criteria provided, single submitter. Criteria: CeGaT Center For Human Genetics Tuebingen Variant Classification Criteria Version 2. Collection method: clinical testing. Allele origin: germline. Affected: yes. Observed: 13 variant alleles.
Comment: VPS13B: BP4, BS2

Labcorp Genetics (formerly Invitae), Labcorp
Classification: Benign for Cohen syndrome. Last evaluated: 2026-02-01. Review status: criteria provided, single submitter. Criteria: Invitae Variant Classification Sherloc (09022015). Collection method: clinical testing. Allele origin: germline.

Mayo Clinic Laboratories, Mayo Clinic
Classification: Likely benign. Last evaluated: 2025-04-01. Review status: criteria provided, single submitter. Criteria: ACMG Guidelines, 2015. Collection method: clinical testing. Allele origin: germline. Observed: 3 variant alleles.
Comment: BS2, BP4_moderate

Blueprint Genetics
Classification: Likely benign. Last evaluated: 2024-10-22. Review status: criteria provided, single submitter. Criteria: ACMG Guidelines, 2015. Collection method: clinical testing. Allele origin: germline.

Genome-Nilou Lab
Classification: Likely benign for Cohen syndrome. Last evaluated: 2021-05-18. Review status: criteria provided, single submitter. Criteria: ACMG Guidelines, 2015. Collection method: clinical testing. Allele origin: germline. Affected: no.

GeneDx
Classification: Likely benign. Last evaluated: 2019-09-20. Review status: criteria provided, single submitter. Criteria: GeneDx Variant Classification Process June 2021. Collection method: clinical testing. Allele origin: germline. Affected: yes.
Comment: This variant is associated with the following publications: (PMID: 25502226)

Athena Diagnostics
Classification: Likely benign. Last evaluated: 2018-11-27. Review status: criteria provided, single submitter. Criteria: Athena Diagnostics Criteria. Collection method: clinical testing. Allele origin: germline.

Illumina Laboratory Services, Illumina
Classification: Uncertain significance for Cohen syndrome. Last evaluated: 2018-01-12. Review status: criteria provided, single submitter. Criteria: ICSL Variant Classification Criteria 13 December 2019. Collection method: clinical testing. Allele origin: germline.

Fulgent Genetics
Classification: Uncertain significance for Cohen syndrome. Last evaluated: 2017-05-23. Review status: criteria provided, single submitter. Criteria: ACMG Guidelines, 2015. Collection method: clinical testing. Allele origin: unknown.

Ambry Genetics
Classification: Likely benign for Inborn genetic diseases. Last evaluated: 2017-04-17. Review status: criteria provided, single submitter. Criteria: Ambry Variant Classification Scheme 2023. Collection method: clinical testing. Allele origin: germline.

Genetic Services Laboratory, University of Chicago
Classification: Uncertain significance. Last evaluated: 2015-07-22. Review status: criteria provided, single submitter. Criteria: ACMG Guidelines, 2015. Collection method: clinical testing. Allele origin: germline.

Eurofins Ntd Llc (ga)
Classification: Uncertain significance. Last evaluated: 2015-04-29. Review status: criteria provided, single submitter. Criteria: EGL Classification Definitions 2015. Collection method: clinical testing. Allele origin: germline. Observed: 3 variant alleles, 3 heterozygotes.

PreventionGenetics, part of Exact Sciences
Classification: Likely benign for VPS13B-related condition. Last evaluated: 2022-01-18. Review status: no assertion criteria provided. Collection method: clinical testing. Allele origin: germline. Not counted in ClinVar's aggregate classification.
Comment: This variant is classified as likely benign based on ACMG/AMP sequence variant interpretation guidelines (Richards et al. 2015 PMID: 25741868, with internal and published modifications).

Natera, Inc.
Classification: Benign for Cohen syndrome. Last evaluated: 2019-10-21. Review status: no assertion criteria provided. Collection method: clinical testing. Allele origin: germline. Not counted in ClinVar's aggregate classification.

Clinical Genetics DNA and cytogenetics Diagnostics Lab, Erasmus MC, Erasmus Medical Center
Classification: Likely benign. Review status: no assertion criteria provided. Collection method: clinical testing. Allele origin: germline. Affected: yes. Study: VKGL Data-share Consensus. Not counted in ClinVar's aggregate classification.

Clinical Genetics, Academic Medical Center
Classification: Likely benign. Review status: no assertion criteria provided. Collection method: clinical testing. Allele origin: germline. Affected: yes. Study: VKGL Data-share Consensus. Not counted in ClinVar's aggregate classification.

Genome Diagnostics Laboratory, University Medical Center Utrecht
Classification: Likely benign. Review status: no assertion criteria provided. Collection method: clinical testing. Allele origin: germline. Affected: yes. Study: VKGL Data-share Consensus. Not counted in ClinVar's aggregate classification.

NM_152564.5(VPS13B):c.1832G>A (p.Arg611Lys)

Gene: VPS13B (vacuolar protein sorting 13 homolog B; plus strand). Cytogenetic location: 8q22.2.
Variant type: single nucleotide variant.
Coding change: c.1832G>A on transcript NM_152564.5 (MANE Select); coding-DNA position 1832, G replaced by A.
Protein change: p.Arg611Lys; replaces arginine 611 with lysine.
Molecular consequence: missense variant.
Genome position (GRCh38, 1-based): chr8:99,143,154, G>A. VCF-style: chr8-99143154-G-A. GRCh37 (hg19) VCF-style: chr8-100155382-G-A.
Other names: c.1832G>A (NM_152564.4); c.1832G>A, p.Arg611Lys (NM_015243.3, NM_017890.5); short protein forms R611K.
Identifiers: ClinVar variation 95835 (VCV000095835.73), dbSNP rs61754109, ClinGen allele CA208504.